The following is an entry in ClinVar:

ClinVar aggregate classification (germline): Pathogenic. Review status: criteria provided, multiple submitters, no conflicts (2 of 4 stars). 15 submissions from 14 submitters: Pathogenic (14). 1 of the submissions does not count toward it. Last evaluated 2026-07-08.

Conditions:
Neurofibromatosis, type 1 (NF1). Also called: VON RECKLINGHAUSEN DISEASE; NEUROFIBROMATOSIS, TYPE I, SOMATIC; Neurofibromatosis, type I; Peripheral type neurofibromatosis. Identifiers: Orphanet 636, MedGen C0027831, MONDO:0018975, OMIM 162200. Disease mechanism: loss of function.
NF1-related disorder. Also called: NF1-related condition. Identifiers: MedGen CN379171.
Hereditary cancer-predisposing syndrome. Also called: Hereditary Cancer Syndrome; Hereditary neoplastic syndrome; Neoplastic Syndromes, Hereditary; Tumor predisposition. Identifiers: Orphanet 140162, MedGen C0027672, MeSH D009386, MONDO:0015356.
Cardiovascular phenotype. Identifiers: MedGen CN230736.
Subcutaneous neurofibroma. Also called: Subcutaneous neurofibromas. Identifiers: MedGen C1827970, HP:0100698.
Cafe au lait spots, multiple. Also called: Neurofibromatosis type 6. Identifiers: Orphanet 2678, MedGen C1861975, MONDO:0007245, OMIM 114030, HP:0007565. Disease mechanism: loss of function.
Juvenile myelomonocytic leukemia (JMML). Also called: LEUKEMIA, JUVENILE MYELOMONOCYTIC, SOMATIC. Identifiers: Orphanet 86834, MedGen C0349639, MONDO:0011908, OMIM 607785, HP:0012209.

Submissions (15):

Myriad Genetics, Inc.
Classification: Pathogenic for Neurofibromatosis, type 1. Last evaluated: 2026-07-08. Review status: criteria provided, single submitter. Criteria: Myriad Autosomal Dominant, Autosomal Recessive and X-Linked Classification Criteria (2023). Collection method: clinical testing. Allele origin: unknown.
Comment: This variant is considered pathogenic. This variant creates a termination codon and is predicted to result in premature protein truncation.

3billion
Classification: Pathogenic for Neurofibromatosis, type 1. Last evaluated: 2026-01-22. Review status: criteria provided, single submitter. Criteria: ACMG Guidelines, 2015. Collection method: clinical testing. Allele origin: germline. Affected: yes.
Comment: The variant is not observed in the gnomAD v4.1.0 dataset. Predicted Consequence/Location: Stop-gained (nonsense): predicted to result in a loss or disruption of normal protein function through nonsense-mediated decay (NMD) or protein truncation. Multiple pathogenic variants are reported downstream of the variant. The variant has been reported at least twice as pathogenic with clinical assertions and evidence for the classification (ClinVar ID: VCV000373973 /PMID: 8837715 /3billion dataset). Therefore, this variant is classified as Pathogenic according to the recommendation of ACMG/AMP guideline.

Labcorp Genetics (formerly Invitae), Labcorp
Classification: Pathogenic for Neurofibromatosis, type 1. Last evaluated: 2026-01-18. Review status: criteria provided, single submitter. Criteria: Invitae Variant Classification Sherloc (09022015). Collection method: clinical testing. Allele origin: germline.
Comment: This sequence change creates a premature translational stop signal (p.Gln2281*) in the NF1 gene. RNA analysis indicates that this premature translational stop signal induces altered splicing and likely results in a shortened protein product. This variant is not present in population databases (gnomAD no frequency). This premature translational stop signal has been observed in individual(s) with neurofibromatosis type 1 (PMID: 8837715, 23913538, 25325900, 27074763). It has also been observed to segregate with disease in related individuals. Invitae Evidence Modeling of clinical and family history, age, sex, and reported ancestry of multiple individuals with this NF1 variant has been performed. This variant is expected to be pathogenic with a positive predictive value of at least 99%. This is a validated machine learning model that incorporates the clinical features of 1,785,918 individuals referred to our laboratory for NF1 testing. This variant is also known as c.6904C>T. ClinVar contains an entry for this variant (Variation ID: 373973). Studies have shown that this premature translational stop signal results in skipping of exon 45, but is expected to preserve the integrity of the reading-frame (PMID: 10543400, 23913538). For these reasons, this variant has been classified as Pathogenic.

Quest Diagnostics Nichols Institute San Juan Capistrano
Classification: Pathogenic. Last evaluated: 2025-06-13. Review status: criteria provided, single submitter. Criteria: Quest Diagnostics criteria. Collection method: clinical testing. Allele origin: unknown.
Comment: The NF1 c.6841C>T (p.Gln2281*) variant causes the premature termination of NF1 protein synthesis. This variant has been reported in the published literature in multiple individuals with neurofibromatosis 1 (NF1) (PMID: 8837715 (1998), 23913538 (2013), 25325900 (2014), 27074763 (2016), 38954284 (2024)). In a large-scale breast cancer association study, this variant has been observed in a reportedly unaffected individual (PMID: 33471991 (2021), see also LOVD). Additionally, published functional studies reported that this variant could result in a protein product with loss of 34 amino acids due to nonsense-mediated in-frame exon skipping (PMID: 10543400 (1999), 23913538 (2013)). This variant has not been reported in large, multi-ethnic general populations (Genome Aggregation Database). Based on the available information, this variant is classified as pathogenic.

PreventionGenetics, part of Exact Sciences
Classification: Pathogenic for NF1-related condition. Last evaluated: 2025-05-09. Review status: criteria provided, single submitter. Criteria: ACMG Guidelines, 2015. Collection method: clinical testing. Allele origin: germline.
Comment: The NF1 c.6904C>T variant is predicted to result in premature protein termination (p.Gln2302*). This variant has been reported to be causative for neurofibromatosis type 1 (Upadhyaya et al. 1996. PubMed ID: 8837715; Sabbagh et al. 2013. PubMed ID: 23913538). To our knowledge, this variant has not been reported in a large population database (gnomAD), indicating this variant is rare. This variant is interpreted as pathogenic in ClinVar. Nonsense variants in NF1 are expected to be pathogenic. This variant is interpreted as pathogenic.

Ambry Genetics
Classification: Pathogenic for Cardiovascular phenotype; Hereditary cancer-predisposing syndrome. Last evaluated: 2024-06-25. Review status: criteria provided, single submitter. Criteria: Ambry Variant Classification Scheme 2023. Collection method: clinical testing. Allele origin: germline.
Comment: The p.Q2281* pathogenic mutation (also known as c.6841C>T), located in coding exon 45 of the NF1 gene, results from a C to T substitution at nucleotide position 6841. This changes the amino acid from a glutamine to a stop codon within coding exon 45. This alteration has been reported in several individuals with a clinical diagnosis of neurofibromatosis type 1 (Upadhyaya M et al. Am. J. Med. Genet. 1996 Jul;67:421-3; Osborn MJ et al. Hum. Genet. 1999 Oct;105:327-32; Laycock-van Spyk S et al. Hum. Genomics. 2011 Oct;5:623-90; Sabbagh A et al. Hum. Mutat. 2013 Nov;34:1510-8; Maruoka R et al. Genet Test Mol Biomarkers. 2014 Nov;18:722-35). This alteration is also reported as c.6904C>T (p.Q2302*) in the published literature. In addition to the clinical data presented in the literature, this alteration is expected to result in loss of function by premature protein truncation or nonsense-mediated mRNA decay. As such, this alteration is interpreted as a disease-causing mutation.

Institute of Human Genetics, University of Leipzig Medical Center
Classification: Pathogenic for Neurofibromatosis, type 1. Last evaluated: 2023-11-23. Review status: criteria provided, single submitter. Criteria: ACMG Guidelines, 2015. Collection method: clinical testing. Allele origin: maternal. Affected: yes.
Comment: Criteria applied: PVS1,PS4_MOD,PM2_SUP,PP4

Greenwood Genetic Center Diagnostic Laboratories, Greenwood Genetic Center
Classification: Pathogenic for Neurofibromatosis, type 1. Last evaluated: 2023-08-02. Review status: criteria provided, single submitter. Criteria: ACMG Guidelines, 2015. Collection method: clinical testing. Allele origin: germline. Affected: yes.
Comment: PVS1, PS4_Moderate, PM2

Blueprint Genetics
Classification: Pathogenic for NF1-related disorders. Last evaluated: 2023-06-16. Review status: criteria provided, single submitter. Criteria: ACMG Guidelines, 2015. Collection method: clinical testing. Allele origin: germline. Affected: yes. Observed: 2 variant alleles.

CeGaT Center for Human Genetics Tuebingen
Classification: Pathogenic. Last evaluated: 2022-07-01. Review status: criteria provided, single submitter. Criteria: CeGaT Center For Human Genetics Tuebingen Variant Classification Criteria Version 2. Collection method: clinical testing. Allele origin: germline. Affected: yes. Observed: 1 variant allele.
Comment: NF1: PVS1, PM2, PS4:Moderate, PP4, PS3:Supporting

Genome-Nilou Lab
Classification: Pathogenic for Neurofibromatosis, type 1. Last evaluated: 2022-03-15. Review status: criteria provided, single submitter. Criteria: ACMG Guidelines, 2015. Collection method: clinical testing. Allele origin: germline. Affected: no.

GeneDx
Classification: Pathogenic. Last evaluated: 2022-03-07. Review status: criteria provided, single submitter. Criteria: GeneDx Variant Classification Process June 2021. Collection method: clinical testing. Allele origin: germline. Affected: yes.
Comment: Nonsense variant predicted to result in protein truncation or nonsense mediated decay in a gene for which loss-of-function is a known mechanism of disease; Not observed at significant frequency in large population cohorts (gnomAD); Also known as c.6904 C>T (Q2302X); This variant is associated with the following publications: (PMID: 26206283, 25525159, 27074763, 10543400, 16944271, 23913538, 25325900, 30968598, 8837715)

Baylor Genetics
Classification: Pathogenic for Juvenile myelomonocytic leukemia. Last evaluated: 2021-09-06. Review status: criteria provided, single submitter. Criteria: ACMG Guidelines, 2015. Collection method: clinical testing. Allele origin: unknown.

Baylor Genetics
Classification: Pathogenic for Neurofibromatosis, type 1. Last evaluated: 2019-06-03. Review status: criteria provided, single submitter. Criteria: ACMG Guidelines, 2015. Collection method: clinical testing. Allele origin: de novo. Affected: yes.
Comment: This variant was determined to be pathogenic according to ACMG Guidelines, 2015 [PMID:25741868].

Centre for Mendelian Genomics, University Medical Centre Ljubljana
Classification: Pathogenic for Cafe au lait spots, multiple; Subcutaneous neurofibroma. Last evaluated: 2016-01-21. Review status: no assertion criteria provided. Collection method: clinical testing. Allele origin: unknown. Affected: yes. Not counted in ClinVar's aggregate classification.

Literature cited by the submitters: PubMed 8837715 (cited by 3 submitters); PubMed 23913538 (cited by Labcorp Genetics (formerly Invitae), Labcorp and Ambry Genetics); PubMed 25325900 (cited by Labcorp Genetics (formerly Invitae), Labcorp and Ambry Genetics); PubMed 27074763 (cited by Labcorp Genetics (formerly Invitae), Labcorp); PubMed 10543400 (cited by Labcorp Genetics (formerly Invitae), Labcorp and Ambry Genetics); PubMed 22155606 (cited by Ambry Genetics).

NM_001042492.3(NF1):c.6904C>T (p.Gln2302Ter)

Gene: NF1 (neurofibromin 1; plus strand). Cytogenetic location: 17q11.2.
Variant type: single nucleotide variant.
Coding change: c.6904C>T on transcript NM_001042492.3 (MANE Select); coding-DNA position 6904, C replaced by T.
Protein change: p.Gln2302Ter; replaces glutamine 2302 with a stop codon.
Molecular consequence: nonsense.
Genome position (GRCh38, 1-based): chr17:31,338,788, C>T. VCF-style: chr17-31338788-C-T. GRCh37 (hg19) VCF-style: chr17-29665806-C-T.
Other names: c.6841C>T, p.Gln2281Ter (NM_000267.4); short protein forms Q2281*, Q2302*.
Identifiers: ClinVar variation 373973 (VCV000373973.56), dbSNP rs1057518807, ClinGen allele CA16043526.
Genomic context (GRCh38, chr17:31,338,788, plus strand): 5'-CCTGACACTTACAACAGTCAAGTTCTGATAGAAGCTACAGTAATAGCACTAACCAAATTA[C>T]AGCCACTTCTTAATAAGGTAATTACTGTATAGAAAATGAGTGCATTCATTTTGGGTATCA-3'